The following is an entry in ClinVar:

NM_004304.5(ALK):c.1415-3T>C

Gene: ALK (ALK receptor tyrosine kinase; minus strand). Cytogenetic location: 2p23.2.
Variant type: single nucleotide variant.
Coding change: c.1415-3T>C on transcript NM_004304.5 (MANE Select); 3 bases into the intron before coding-DNA position 1415, T replaced by C.
Molecular consequence: intron variant.
Genome position (GRCh38, 1-based): chr2:29,320,885, A>G on the plus strand (T>C on the coding strand, the complement: ALK is on the minus strand). VCF-style: chr2-29320885-A-G. GRCh37 (hg19) VCF-style: chr2-29543751-A-G.
Identifiers: ClinVar variation 404391 (VCV000404391.10), dbSNP rs747885672, ClinGen allele CA1594646.

ClinVar aggregate classification (germline): Uncertain significance. Review status: criteria provided, multiple submitters, no conflicts (2 of 4 stars). 3 submissions from 3 submitters: Uncertain significance (3). Last evaluated 2025-10-23.

Conditions:
Hereditary cancer-predisposing syndrome. Also called: Tumor predisposition; Neoplastic Syndromes, Hereditary; Hereditary Cancer Syndrome; Hereditary neoplastic syndrome. Identifiers: Orphanet 140162, MedGen C0027672, MeSH D009386, MONDO:0015356.
Neuroblastoma, susceptibility to, 3. Also called: ALK-Related Neuroblastic Tumor Susceptibility. Identifiers: Orphanet 635, MedGen C2751681, MONDO:0013083, OMIM 613014.

Allele frequency attached by ClinVar (database versions not stated): gnomAD 0.00001; TOPMed 0.00001; ExAC 0.00002; gnomAD exomes 0.00002.
gnomAD v4.1: 28 of 1,614,058 alleles (0.0017%); highest among the groups gnomAD compares: East Asian, 0.0022%; no homozygotes.

Submissions (3):

Labcorp Genetics (formerly Invitae), Labcorp
Classification: Uncertain significance for Neuroblastoma, susceptibility to, 3. Last evaluated: 2025-10-23. Review status: criteria provided, single submitter. Criteria: Invitae Variant Classification Sherloc (09022015). Collection method: clinical testing. Allele origin: germline.
Comment: This sequence change falls in intron 6 of the ALK gene. It does not directly change the encoded amino acid sequence of the ALK protein. It affects a nucleotide within the consensus splice site. This variant is present in population databases (rs747885672, gnomAD 0.006%). This variant has not been reported in the literature in individuals affected with ALK-related conditions. ClinVar contains an entry for this variant (Variation ID: 404391). Variants that disrupt the consensus splice site are a relatively common cause of aberrant splicing (PMID: 17576681, 9536098). Algorithms developed to predict the effect of sequence changes on RNA splicing suggest that this variant is not likely to affect RNA splicing. In summary, the available evidence is currently insufficient to determine the role of this variant in disease. Therefore, it has been classified as a Variant of Uncertain Significance.

Ambry Genetics
Classification: Uncertain significance for Hereditary cancer-predisposing syndrome. Last evaluated: 2025-01-17. Review status: criteria provided, single submitter. Criteria: Ambry Variant Classification Scheme 2023. Collection method: clinical testing. Allele origin: germline.
Comment: The c.1415-3T>C intronic variant results from a T to C substitution 3 nucleotides upstream from coding exon 7 in the ALK gene. This nucleotide position is poorly conserved in available vertebrate species. In silico splice site analysis predicts that this alteration will not have any significant effect on splicing. Based on the available evidence, the clinical significance of this variant remains unclear.

Baylor Genetics
Classification: Uncertain significance for Neuroblastoma, susceptibility to, 3. Last evaluated: 2020-08-27. Review status: criteria provided, single submitter. Criteria: ACMG Guidelines, 2015. Collection method: clinical testing. Allele origin: paternal. Affected: yes. Study: CSER-TexasKidsCanSeq.
Comment: This variant was determined to be of uncertain significance according to ACMG Guidelines, 2015 [PMID:25741868].

Literature cited by the submitters: PubMed 17576681 (cited by Labcorp Genetics (formerly Invitae), Labcorp); PubMed 9536098 (cited by Labcorp Genetics (formerly Invitae), Labcorp).